The following is an entry in ClinVar:

NM_006618.5(KDM5B):c.809-9C>T

Gene: KDM5B (lysine demethylase 5B; minus strand). Cytogenetic location: 1q32.1.
Variant type: single nucleotide variant.
Coding change: c.809-9C>T on transcript NM_006618.5 (MANE Select); 9 bases into the intron before coding-DNA position 809, C replaced by T.
Molecular consequence: intron variant.
Genome position (GRCh38, 1-based): chr1:202,762,817, G>A on the plus strand (C>T on the coding strand, the complement: KDM5B is on the minus strand). VCF-style: chr1-202762817-G-A. GRCh37 (hg19) VCF-style: chr1-202731945-G-A.
Other names: c.794-9C>T (NM_001399817.1); c.674-9C>T (NM_001347591.2); c.917-9C>T (NM_001314042.2).
Identifiers: ClinVar variation 3035846 (VCV003035846.2), dbSNP rs754772136, ClinGen allele CA1334868.

ClinVar aggregate classification (germline): Likely benign (0 of 4 stars; one submission).

Conditions:
KDM5B-related disorder. Also called: KDM5B-related condition.

Allele frequency attached by ClinVar (database versions not stated): ExAC 0.00006; gnomAD 0.00009; TOPMed 0.00010.
gnomAD v4.1: 159 of 1,502,036 alleles (0.011%); highest among the groups gnomAD compares: Non-Finnish European, 0.014%; no homozygotes.

Submission:

PreventionGenetics, part of Exact Sciences
Classification: Likely benign for KDM5B-related condition. Last evaluated: 2019-07-24. Review status: no assertion criteria provided. Collection method: clinical testing. Allele origin: germline.
Comment: This variant is classified as likely benign based on ACMG/AMP sequence variant interpretation guidelines (Richards et al. 2015 PMID: 25741868, with internal and published modifications).